The following is an entry in ClinVar:

NM_198510.3(ITIH6):c.673A>G (p.Ile225Val)

Gene: ITIH6 (inter-alpha-trypsin inhibitor heavy chain family member 6; minus strand). Cytogenetic location: Xp11.22.
Variant type: single nucleotide variant.
Coding change: c.673A>G on transcript NM_198510.3 (MANE Select); coding-DNA position 673, A replaced by G.
Protein change: p.Ile225Val; replaces isoleucine 225 with valine.
Molecular consequence: missense variant.
Genome position (GRCh38, 1-based): chrX:54,788,593, T>C on the plus strand (A>G on the coding strand, the complement: ITIH6 is on the minus strand). VCF-style: chrX-54788593-T-C. GRCh37 (hg19) VCF-style: chrX-54815026-T-C.
Other names: short protein forms I225V.
Identifiers: ClinVar variation 2636453 (VCV002636453.1), dbSNP rs1929286239, ClinGen allele CA413293941.

ClinVar aggregate classification (germline): Uncertain significance (1 of 4 stars; one submission).

Conditions:
ITIH6-related disorder. Also called: ITIH6-related condition.

Allele frequency attached by ClinVar (database versions not stated): gnomAD exomes below 0.00001; TOPMed 0.00001.
gnomAD v4.1: 1 of 1,209,661 alleles (0.000083%); highest among the groups gnomAD compares: Admixed American, 0.0022%; no homozygotes.

Submission:

PreventionGenetics, part of Exact Sciences
Classification: Uncertain significance for ITIH6-related condition. Last evaluated: 2022-09-07. Review status: criteria provided, single submitter. Criteria: ACMG Guidelines, 2015. Collection method: clinical testing. Allele origin: germline.
Comment: The ITIH6 c.673A>G variant is predicted to result in the amino acid substitution p.Ile225Val. To our knowledge, this variant has not been reported in the literature or in a large population database, indicating this variant is rare. At this time, the clinical significance of this variant is uncertain due to the absence of conclusive functional and genetic evidence.